The following is an entry in ClinVar:

NM_015338.6(ASXL1):c.1417G>A (p.Ala473Thr)

Gene: ASXL1 (ASXL transcriptional regulator 1; plus strand). Cytogenetic location: 20q11.21.
Variant type: single nucleotide variant.
Coding change: c.1417G>A on transcript NM_015338.6 (MANE Select); coding-DNA position 1417, G replaced by A.
Protein change: p.Ala473Thr; replaces alanine 473 with threonine.
Molecular consequence: missense variant.
Genome position (GRCh38, 1-based): chr20:32,433,615, G>A. VCF-style: chr20-32433615-G-A. GRCh37 (hg19) VCF-style: chr20-31021418-G-A.
Other names: c.1234G>A, p.Ala412Thr (NM_001363734.1); short protein forms A412T, A473T.
Identifiers: ClinVar variation 2965473 (VCV002965473.2), dbSNP rs1358407610, ClinGen allele CA408556524.

ClinVar aggregate classification (germline): Uncertain significance (1 of 4 stars; one submission).

Allele frequency attached by ClinVar (database versions not stated): gnomAD exomes below 0.00001; TOPMed below 0.00001.
gnomAD v4.1: 1 of 1,613,958 alleles (0.000062%); highest among the groups gnomAD compares: Non-Finnish European, 0.000085%; no homozygotes.

Submission:

Labcorp Genetics (formerly Invitae), Labcorp
Classification: Uncertain significance. Last evaluated: 2023-12-17. Review status: criteria provided, single submitter. Criteria: Invitae Variant Classification Sherloc (09022015). Collection method: clinical testing. Allele origin: germline.
Comment: This sequence change replaces alanine, which is neutral and non-polar, with threonine, which is neutral and polar, at codon 473 of the ASXL1 protein (p.Ala473Thr). This variant is not present in population databases (gnomAD no frequency). This variant has not been reported in the literature in individuals affected with ASXL1-related conditions. Algorithms developed to predict the effect of missense changes on protein structure and function output the following: SIFT: "Not Available"; PolyPhen-2: "Benign"; Align-GVGD: "Not Available". The threonine amino acid residue is found in multiple mammalian species, which suggests that this missense change does not adversely affect protein function. In summary, the available evidence is currently insufficient to determine the role of this variant in disease. Therefore, it has been classified as a Variant of Uncertain Significance.